The following is an entry in ClinVar:

ClinVar aggregate classification (germline): Uncertain significance (1 of 4 stars; one submission).

Conditions:
ALG8 congenital disorder of glycosylation. Also called: CONGENITAL DISORDER OF GLYCOSYLATION, TYPE Ih; CDG Ih; ALG8-CDG. Identifiers: Orphanet 79325, MedGen C2931002, MONDO:0011969, OMIM 608104.

gnomAD v4.1: 1 of 1,561,532 alleles (0.000064%); highest among the groups gnomAD compares: East Asian, 0.0024%; no homozygotes.

Submission:

Labcorp Genetics (formerly Invitae), Labcorp
Classification: Uncertain significance for ALG8 congenital disorder of glycosylation. Last evaluated: 2025-05-07. Review status: criteria provided, single submitter. Criteria: Invitae Variant Classification Sherloc (09022015). Collection method: clinical testing. Allele origin: germline.
Comment: This sequence change replaces lysine, which is basic and polar, with asparagine, which is neutral and polar, at codon 25 of the ALG8 protein (p.Lys25Asn). The frequency data for this variant in the population databases is considered unreliable, as metrics indicate poor data quality at this position in the gnomAD database. This variant has not been reported in the literature in individuals affected with ALG8-related conditions. Invitae Evidence Modeling of protein sequence and biophysical properties (such as structural, functional, and spatial information, amino acid conservation, physicochemical variation, residue mobility, and thermodynamic stability) indicates that this missense variant is expected to disrupt ALG8 protein function with a positive predictive value of 80%. In summary, the available evidence is currently insufficient to determine the role of this variant in disease. Therefore, it has been classified as a Variant of Uncertain Significance.

NM_024079.5(ALG8):c.75A>T (p.Lys25Asn)

Gene: ALG8 (ALG8 alpha-1,3-glucosyltransferase; minus strand). Cytogenetic location: 11q14.1.
Variant type: single nucleotide variant.
Coding change: c.75A>T on transcript NM_024079.5 (MANE Select); coding-DNA position 75, A replaced by T.
Protein change: p.Lys25Asn; replaces lysine 25 with asparagine.
Molecular consequence: missense variant. On other transcripts: initiator codon variant (3), 5 prime UTR variant (3), non-coding transcript variant (2), intron variant (1).
Genome position (GRCh38, 1-based): chr11:78,139,514, T>A on the plus strand (A>T on the coding strand, the complement: ALG8 is on the minus strand). VCF-style: chr11-78139514-T-A. GRCh37 (hg19) VCF-style: chr11-77850560-T-A.
Other names: c.75A>T, p.Lys25Asn (NM_001007027.3, NM_001425219.1, NM_001425220.1 and 16 more transcripts); c.1A>T, p.Met1Leu (NM_001425226.1, NM_001425235.1, NM_001425236.1); c.-308A>T (NM_001425239.1); c.-438A>T (NM_001425241.1); c.-476A>T (NM_001425242.1); c.-170+15A>T (NM_001425234.1); short protein forms M1L, K25N.
Identifiers: ClinVar variation 4767305 (VCV004767305.1).